The following is an entry in ClinVar:

ClinVar aggregate classification (germline): Uncertain significance (1 of 4 stars; one submission).

Conditions:
MHC class II deficiency. Also called: Bare lymphocyte syndrome 2; BLS, TYPE II. Identifiers: Orphanet 572, MedGen C5447452, MONDO:0008855.

Allele frequency attached by ClinVar (database versions not stated): TOPMed below 0.00001.

Submission:

Labcorp Genetics (formerly Invitae), Labcorp
Classification: Uncertain significance for MHC class II deficiency. Last evaluated: 2023-12-22. Review status: criteria provided, single submitter. Criteria: Invitae Variant Classification Sherloc (09022015). Collection method: clinical testing. Allele origin: germline.
Comment: This sequence change replaces serine, which is neutral and polar, with arginine, which is basic and polar, at codon 995 of the CIITA protein (p.Ser995Arg). This variant is not present in population databases (gnomAD no frequency). This variant has not been reported in the literature in individuals affected with CIITA-related conditions. ClinVar contains an entry for this variant (Variation ID: 1507663). An algorithm developed to predict the effect of missense changes on protein structure and function (PolyPhen-2) suggests that this variant is likely to be disruptive. In summary, the available evidence is currently insufficient to determine the role of this variant in disease. Therefore, it has been classified as a Variant of Uncertain Significance.

NM_000246.4(CIITA):c.2985T>G (p.Ser995Arg)

Gene: CIITA (class II major histocompatibility complex transactivator; plus strand). Cytogenetic location: 16p13.13.
Variant type: single nucleotide variant.
Coding change: c.2985T>G on transcript NM_000246.4 (MANE Select); coding-DNA position 2985, T replaced by G.
Protein change: p.Ser995Arg; replaces serine 995 with arginine.
Molecular consequence: missense variant. On other transcripts: non-coding transcript variant (1).
Genome position (GRCh38, 1-based): chr16:10,916,382, T>G. VCF-style: chr16-10916382-T-G. GRCh37 (hg19) VCF-style: chr16-11010239-T-G.
Other names: c.2988T>G, p.Ser996Arg (NM_001286402.1, NM_001379332.1); c.1233T>G, p.Ser411Arg (NM_001286403.2); c.2841T>G, p.Ser947Arg (NM_001379330.1); c.2838T>G, p.Ser946Arg (NM_001379331.1); c.2985T>G, p.Ser995Arg (NM_001379333.1); c.2916T>G, p.Ser972Arg (NM_001379334.1); short protein forms S946R, S947R, S972R, S995R, S411R, S996R.
Identifiers: ClinVar variation 1507663 (VCV001507663.8), dbSNP rs1235099545, ClinGen allele CA394722290.